The following is an entry in ClinVar:

ClinVar aggregate classification (germline): Likely pathogenic (1 of 4 stars; one submission).

Allele frequency attached by ClinVar (database versions not stated): gnomAD exomes below 0.00001.
gnomAD v4.1: 1 of 1,614,098 alleles (0.000062%); highest among the groups gnomAD compares: Non-Finnish European, 0.000085%; no homozygotes.

Submission:

Labcorp Genetics (formerly Invitae), Labcorp
Classification: Likely pathogenic. Last evaluated: 2022-06-26. Review status: criteria provided, single submitter. Criteria: Invitae Variant Classification Sherloc (09022015). Collection method: clinical testing. Allele origin: germline.
Comment: This sequence change affects an acceptor splice site in intron 16 of the LAMA3 gene. It is expected to disrupt RNA splicing. Variants that disrupt the donor or acceptor splice site typically lead to a loss of protein function (PMID: 16199547), and loss-of-function variants in LAMA3 are known to be pathogenic (PMID: 10366601, 11810295, 12915477, 16473856, 17362460, 22434185, 23869449, 27827380, 28087116). This variant is not present in population databases (gnomAD no frequency). This variant has not been reported in the literature in individuals affected with LAMA3-related conditions. Algorithms developed to predict the effect of sequence changes on RNA splicing suggest that this variant may disrupt the consensus splice site. In summary, the currently available evidence indicates that the variant is pathogenic, but additional data are needed to prove that conclusively. Therefore, this variant has been classified as Likely Pathogenic.

Literature cited by the submitters: PubMed 16199547; PubMed 10366601; PubMed 11810295; PubMed 12915477; PubMed 16473856; PubMed 17362460; PubMed 22434185; PubMed 23869449; PubMed 27827380; PubMed 28087116.

NM_198129.4(LAMA3):c.6836-1G>A

Gene: LAMA3 (laminin subunit alpha 3; plus strand). Cytogenetic location: 18q11.2.
Variant type: single nucleotide variant.
Coding change: c.6836-1G>A on transcript NM_198129.4 (MANE Select); the canonical splice acceptor site of the intron before coding-DNA position 6836, G replaced by A.
Molecular consequence: splice acceptor variant.
Genome position (GRCh38, 1-based): chr18:23,907,755, G>A. VCF-style: chr18-23907755-G-A. GRCh37 (hg19) VCF-style: chr18-21487719-G-A.
Other names: c.6668-1G>A (NM_001127717.4); c.2009-1G>A (NM_000227.6); c.1841-1G>A (NM_001127718.4).
Identifiers: ClinVar variation 2010841 (VCV002010841.4), dbSNP rs2511430431, ClinGen allele CA402052973.